The following is an entry in ClinVar:

NM_000132.4(F8):c.6989A>C (p.Gln2330Pro)

Gene: F8 (coagulation factor VIII; minus strand). Cytogenetic location: Xq28.
Variant type: single nucleotide variant.
Coding change: c.6989A>C on transcript NM_000132.4 (MANE Select); coding-DNA position 6989, A replaced by C.
Protein change: p.Gln2330Pro; replaces glutamine 2330 with proline.
Molecular consequence: missense variant.
Genome position (GRCh38, 1-based): chrX:154,837,664, T>G on the plus strand (A>C on the coding strand, the complement: F8 is on the minus strand). VCF-style: chrX-154837664-T-G. GRCh37 (hg19) VCF-style: chrX-154065939-T-G.
Other names: c.584A>C, p.Gln195Pro (NM_019863.3); short protein forms Q195P, Q2330P.
Identifiers: ClinVar variation 4685713 (VCV004685713.1).
Genomic context (GRCh38, chrX:154,837,664, plus strand): 5'-AGGTCCTGTGCCTCGCAGCCCAGAACCTCCATCCTCAGGGCAATCTGGTGCACCCAACTC[T>G]GGGGGTGAATTCGAAGGTAGCGAGTCAGTAACGGTGGGTCTAGAGAGTTCACCACAGGTG-3'
Protein context (NP_000123.1, residues 2320-2340): LLTRYLRIHP[Gln2330Pro]SWVHQIALRM

ClinVar aggregate classification (germline): Likely pathogenic (1 of 4 stars; one submission).

Submission:

ARUP Laboratories, Molecular Genetics and Genomics, ARUP Laboratories
Classification: Likely pathogenic. Last evaluated: 2025-03-26. Review status: criteria provided, single submitter. Criteria: ARUP Molecular Germline Variant Investigation Process 2024. Collection method: clinical testing. Allele origin: germline.
Comment: The F8 c.6989A>C, p.Gln2330Pro variant, also known as p.Q2311P in traditional nomenclature, is reported in the literature in multiple individuals affected with severe hemophilia A (Azadmehr 2021, Cutler 2002, Frusconi 2002, Markoff 2009). This variant is absent from the Genome Aggregation Database (v2.1.1), indicating it is not a common polymorphism. Computational analyses are uncertain whether this variant is neutral or deleterious (REVEL: 0.698). Based on available information, this variant is considered to be likely pathogenic. References: Azadmehr S et al. The Spectrum of Pathogenic Variants in Iranian Families with Hemophilia A. Arch Iran Med. 2021 Dec 1;24(12):887-896. PMID: 35014236. Cutler JA et al. The identification and classification of 41 novel mutations in the factor VIII gene (F8C). Hum Mutat. 2002 Mar;19(3):274-8. PMID: 11857744. Frusconi S et al. Identification of seven novel mutations of F8C by DHPLC. Hum Mutat. 2002 Sep;20(3):231-2. PMID: 12203998. Markoff A et al. Combined homology modelling and evolutionary significance evaluation of missense mutations in blood clotting factor VIII to highlight aspects of structure and function. Haemophilia. 2009 Jul;15(4):932-41. Epub 2009 Apr 7. PMID: 19473423.